The following is an entry in ClinVar:

NM_031276.3(TEX11):c.731C>T (p.Thr244Ile)

Gene: TEX11 (testis expressed 11; minus strand). Cytogenetic location: Xq13.1.
Variant type: single nucleotide variant.
Coding change: c.731C>T on transcript NM_031276.3 (MANE Select); coding-DNA position 731, C replaced by T.
Protein change: p.Thr244Ile; replaces threonine 244 with isoleucine.
Molecular consequence: missense variant.
Genome position (GRCh38, 1-based): chrX:70,744,181, G>A on the plus strand (C>T on the coding strand, the complement: TEX11 is on the minus strand). VCF-style: chrX-70744181-G-A. GRCh37 (hg19) VCF-style: chrX-69964031-G-A.
Other names: c.776C>T, p.Thr259Ile (NM_001003811.2); short protein forms T244I, T259I.
Identifiers: ClinVar variation 981148 (VCV000981148.13).

ClinVar aggregate classification (germline): Likely benign (1 of 4 stars; one submission).

gnomAD v4.1: 201 of 1,043,583 alleles (0.019%); highest among the groups gnomAD compares: Middle Eastern, 0.32%; no homozygotes.

Submission:

CeGaT Center for Human Genetics Tuebingen
Classification: Likely benign. Last evaluated: 2026-05-01. Review status: criteria provided, single submitter. Criteria: CeGaT Center For Human Genetics Tuebingen Variant Classification Criteria Version 2. Collection method: clinical testing. Allele origin: germline. Affected: yes. Observed: 2 variant alleles.
Comment: TEX11: BS2